The following is an entry in ClinVar:

NM_006019.4(TCIRG1):c.2164G>C (p.Glu722Gln)

Gene: TCIRG1 (T cell immune regulator 1, ATPase H+ transporting V0 subunit a3; plus strand). Cytogenetic location: 11q13.2.
Variant type: single nucleotide variant.
Coding change: c.2164G>C on transcript NM_006019.4 (MANE Select); coding-DNA position 2164, G replaced by C.
Protein change: p.Glu722Gln; replaces glutamic acid 722 with glutamine.
Molecular consequence: missense variant.
Genome position (GRCh38, 1-based): chr11:68,050,182, G>C. VCF-style: chr11-68050182-G-C. GRCh37 (hg19) VCF-style: chr11-67817649-G-C.
Other names: c.1270G>C, p.Glu424Gln (NM_001351059.2); c.1516G>C, p.Glu506Gln (NM_006053.4); short protein forms E424Q, E506Q, E722Q.
Identifiers: ClinVar variation 3616360 (VCV003616360.2).
Genomic context (GRCh38, chr11:68,050,182, plus strand): 5'-GCACCCGCCCCGCAGCTCGTCCCCTCCGAGGTGCTCATGCACCAGGCCATCCACACCATC[G>C]AGTTCTGCCTGGGCTGCGTCTCCAACACCGCCTCCTACCTGCGCCTGTGGGCCCTGAGCC-3'
Protein context (NP_006010.2, residues 712-732): VLMHQAIHTI[Glu722Gln]FCLGCVSNTA

ClinVar aggregate classification (germline): Uncertain significance (1 of 4 stars; one submission).

gnomAD v4.1: 5 of 1,613,696 alleles (0.00031%); highest among the groups gnomAD compares: Non-Finnish European, 0.00042%; no homozygotes.

Submission:

Labcorp Genetics (formerly Invitae), Labcorp
Classification: Uncertain significance. Last evaluated: 2024-06-30. Review status: criteria provided, single submitter. Criteria: Invitae Variant Classification Sherloc (09022015). Collection method: clinical testing. Allele origin: germline.
Comment: This sequence change replaces glutamic acid, which is acidic and polar, with glutamine, which is neutral and polar, at codon 722 of the TCIRG1 protein (p.Glu722Gln). This variant is not present in population databases (gnomAD no frequency). This variant has not been reported in the literature in individuals affected with TCIRG1-related conditions. Advanced modeling of protein sequence and biophysical properties (such as structural, functional, and spatial information, amino acid conservation, physicochemical variation, residue mobility, and thermodynamic stability) performed at Invitae indicates that this missense variant is expected to disrupt TCIRG1 protein function with a positive predictive value of 80%. In summary, the available evidence is currently insufficient to determine the role of this variant in disease. Therefore, it has been classified as a Variant of Uncertain Significance.